The following is an entry in ClinVar:

ClinVar aggregate classification (germline): Uncertain significance (1 of 4 stars; one submission).

Conditions:
Atypical hemolytic-uremic syndrome. Identifiers: Orphanet 2134, MedGen C2931788, MONDO:0016244.

Submission:

Genomenon, Inc
Classification: Uncertain significance for Atypical hemolytic-uremic syndrome. Last evaluated: 2026-09-17. Review status: criteria provided, single submitter. Criteria: Genomenon Sequence Variant Interpretation Standards - Updated. Collection method: curation. Allele origin: germline. Affected: no.
Comment: CFB p.Asn285Asp (c.853A>G) is a missense variant that changes the amino acid at codon 285 from Asparagine to Aspartic acid. This variant has been reported in the published literature (PMID:19574954;10072540;17310251;21862585). This variant is located in a mutational hotspot and/or important functional domain. It is absent or not present at a significant frequency in gnomAD. In silico models predict that this variant is not damaging. In conclusion, we classify CFB p.Asn285Asp (c.853A>G) as a variant of uncertain significance.

Literature cited by the submitters: PubMed 19574954; PubMed 10072540; PubMed 17310251; PubMed 21862585.

NM_001710.6(CFB):c.853A>G (p.Asn285Asp)

Gene: CFB (complement factor B; plus strand). Cytogenetic location: 6p21.33.
Variant type: single nucleotide variant.
Coding change: c.853A>G on transcript NM_001710.6 (MANE Select); coding-DNA position 853, A replaced by G.
Protein change: p.Asn285Asp; replaces asparagine 285 with aspartic acid.
Molecular consequence: missense variant.
Genome position (GRCh38, 1-based): chr6:31,948,037, A>G. VCF-style: chr6-31948037-A-G. GRCh37 (hg19) VCF-style: chr6-31915814-A-G.
Other names: short protein forms N285D.
Identifiers: ClinVar variation 4976833 (VCV004976833.1).